The following is an entry in ClinVar:

NM_000051.4(ATM):c.7789G>C (p.Asp2597His)

Genes: C11orf65 (chromosome 11 open reading frame 65; minus strand), ATM (ATM serine/threonine kinase; plus strand). Cytogenetic location: 11q22.3.
Variant type: single nucleotide variant.
Coding change: c.7789G>C on transcript NM_000051.4 (MANE Select); coding-DNA position 7789, G replaced by C.
Protein change: p.Asp2597His; replaces aspartic acid 2597 with histidine.
Molecular consequence: missense variant. On other transcripts: intron variant (2).
Genome position (GRCh38, 1-based): chr11:108,332,762, G>C. VCF-style: chr11-108332762-G-C. GRCh37 (hg19) VCF-style: chr11-108203489-G-C.
Other names: c.7789G>C, p.Asp2597His (NM_001351834.2); c.641-23691C>G (NM_001330368.2); c.*38+2458C>G (NM_001351110.2); short protein forms D2597H.
Identifiers: ClinVar variation 1044124 (VCV001044124.47), dbSNP rs1555125212, ClinGen allele CA382561237.

ClinVar aggregate classification (germline): Conflicting classifications of pathogenicity. Review status: criteria provided, conflicting classifications (1 of 4 stars). 2 submissions from 2 submitters: Likely pathogenic (1); Uncertain significance (1). Last evaluated 2025-10-02.

Conditions:
Ataxia-telangiectasia syndrome (AT). Also called: Ataxia telangiectasia (A-T); ATAXIA-TELANGIECTASIA, COMPLEMENTATION GROUP A; ATAXIA-TELANGIECTASIA, FRESNO VARIANT; Ataxia-telangiectasia; Ataxia-telangiectasia, complementation group E; LOUIS-BAR SYNDROME. Identifiers: Orphanet 100, MedGen C0004135, MONDO:0008840, OMIM 208900.
Hereditary cancer-predisposing syndrome. Also called: Neoplastic Syndromes, Hereditary; Tumor predisposition; Hereditary Cancer Syndrome; Hereditary neoplastic syndrome. Identifiers: Orphanet 140162, MedGen C0027672, MeSH D009386, MONDO:0015356.

Submissions (2):

Ambry Genetics
Classification: Likely pathogenic for Hereditary cancer-predisposing syndrome. Last evaluated: 2025-10-02. Review status: criteria provided, single submitter. Criteria: Ambry Variant Classification Scheme 2023. Collection method: clinical testing. Allele origin: germline.
Comment: The c.7789G>C variant (also known as p.D2597H) is located in coding exon 52 of the ATM gene. This change occurs in the first base pair of coding exon 52. Other variant(s) impacting the same acceptor site (c.7789-3T>G) have been shown to have a similar impact on splicing in individual(s) with features consistent with ataxia telangiectasia and ATM-related cancer predisposition (Mitui M et al. Hum Mutat, 2003 Jul;22:43-50, Demuth I et al. Neurogenetics, 2011 Nov;12:273-82; Ambry internal data). This nucleotide position is highly conserved in available vertebrate species. In silico splice site analysis predicts that this alteration may weaken the native splice acceptor site; RNA studies have demonstrated that this alteration results in abnormal splicing in the set of samples tested (Ambry internal data). This variant is considered to be rare based on population cohorts in the Genome Aggregation Database (gnomAD). Based on the majority of available evidence to date, this variant is likely to be pathogenic.

Labcorp Genetics (formerly Invitae), Labcorp
Classification: Uncertain significance for Ataxia-telangiectasia syndrome. Last evaluated: 2020-01-05. Review status: criteria provided, single submitter. Criteria: Invitae Variant Classification Sherloc (09022015). Collection method: clinical testing. Allele origin: germline.
Comment: In summary, the available evidence is currently insufficient to determine the role of this variant in disease. Therefore, it has been classified as a Variant of Uncertain Significance. Algorithms developed to predict the effect of sequence changes on RNA splicing suggest that this variant may disrupt the consensus splice site, but this prediction has not been confirmed by published transcriptional studies. Algorithms developed to predict the effect of missense changes on protein structure and function are either unavailable or do not agree on the potential impact of this missense change (SIFT: "Deleterious"; PolyPhen-2: "Possibly Damaging"; Align-GVGD: "Class C0"). This variant has not been reported in the literature in individuals with ATM-related conditions. This variant is not present in population databases (ExAC no frequency). This sequence change replaces aspartic acid with histidine at codon 2597 of the ATM protein (p.Asp2597His). The aspartic acid residue is moderately conserved and there is a moderate physicochemical difference between aspartic acid and histidine.

Literature cited by the submitters: PubMed 12815592 (cited by Ambry Genetics); PubMed 21965147 (cited by Ambry Genetics).